The following is an entry in ClinVar:

NM_033225.6(CSMD1):c.4838C>T (p.Ser1613Phe)

Gene: CSMD1 (CUB and Sushi multiple domains 1; minus strand). Cytogenetic location: 8p23.2.
Variant type: single nucleotide variant.
Coding change: c.4838C>T on transcript NM_033225.6 (MANE Select); coding-DNA position 4838, C replaced by T.
Protein change: p.Ser1613Phe; replaces serine 1613 with phenylalanine.
Molecular consequence: missense variant.
Genome position (GRCh38, 1-based): chr8:3,214,526, G>A on the plus strand (C>T on the coding strand, the complement: CSMD1 is on the minus strand). VCF-style: chr8-3214526-G-A. GRCh37 (hg19) VCF-style: chr8-3072048-G-A.
Other names: short protein forms S1613F.
Identifiers: ClinVar variation 2341207 (VCV002341207.5), dbSNP rs73183586, ClinGen allele CA4607204.

ClinVar aggregate classification (germline): Uncertain significance. Review status: criteria provided, single submitter (1 of 4 stars). 2 submissions from 2 submitters: Uncertain significance (1). 1 of the submissions does not count toward it. Last evaluated 2025-05-26.

Conditions:
CSMD1-related disorder. Also called: CSMD1-related condition.

Allele frequency attached by ClinVar (database versions not stated): 1000 Genomes Project 0.00040; gnomAD 0.00032; TOPMed 0.00033; ExAC 0.00057; ESP Exome Variant Server 0.00008; 1000 Genomes Project 30x 0.00047; gnomAD exomes 0.00052.
gnomAD v4.1: 805 of 1,600,148 alleles (0.05%); highest among the groups gnomAD compares: Non-Finnish European, 0.059%; no homozygotes.

Submissions (2):

Ambry Genetics
Classification: Uncertain significance. Last evaluated: 2025-05-26. Review status: criteria provided, single submitter. Criteria: Ambry Variant Classification Scheme 2023. Collection method: clinical testing. Allele origin: germline.

PreventionGenetics, part of Exact Sciences
Classification: Likely benign for CSMD1-related condition. Last evaluated: 2022-08-16. Review status: no assertion criteria provided. Collection method: clinical testing. Allele origin: germline. Not counted in ClinVar's aggregate classification.
Comment: This variant is classified as likely benign based on ACMG/AMP sequence variant interpretation guidelines (Richards et al. 2015 PMID: 25741868, with internal and published modifications).